The following is an entry in ClinVar:

NM_016111.4(TELO2):c.2002C>T (p.Arg668Trp)

Gene: TELO2 (telomere maintenance 2; plus strand). Cytogenetic location: 16p13.3.
Variant type: single nucleotide variant.
Coding change: c.2002C>T on transcript NM_016111.4 (MANE Select); coding-DNA position 2002, C replaced by T.
Protein change: p.Arg668Trp; replaces arginine 668 with tryptophan.
Molecular consequence: missense variant.
Genome position (GRCh38, 1-based): chr16:1,505,569, C>T. VCF-style: chr16-1505569-C-T. GRCh37 (hg19) VCF-style: chr16-1555570-C-T.
Other names: c.2002C>T, p.Arg668Trp (NM_001351846.2); c.2002C>T (NM_016111.3); short protein forms R668W.
Identifiers: ClinVar variation 2442038 (VCV002442038.3), dbSNP rs143422330, ClinGen allele CA7812423.

ClinVar aggregate classification (germline): Uncertain significance. Review status: criteria provided, multiple submitters, no conflicts (2 of 4 stars). 3 submissions from 3 submitters: Uncertain significance (3). Last evaluated 2024-10-28.

Conditions:
TELO2-related intellectual disability-neurodevelopmental disorder. Also called: You-Hoover-Fong syndrome. Identifiers: Orphanet 488642, MedGen C4310778, MONDO:0014848, OMIM 616954.
Inborn genetic diseases. Identifiers: MedGen C0950123, MeSH D030342.

Allele frequency attached by ClinVar (database versions not stated): gnomAD 0.00004; ExAC 0.00005; TOPMed 0.00005; ESP Exome Variant Server 0.00023.
gnomAD v4.1: 113 of 1,567,982 alleles (0.0072%); highest among the groups gnomAD compares: East Asian, 0.0096%; no homozygotes.

Submissions (3):

Ambry Genetics
Classification: Uncertain significance for Inborn genetic diseases. Last evaluated: 2024-10-28. Review status: criteria provided, single submitter. Criteria: Ambry Variant Classification Scheme 2023. Collection method: clinical testing. Allele origin: germline.

Labcorp Genetics (formerly Invitae), Labcorp
Classification: Uncertain significance. Last evaluated: 2024-10-15. Review status: criteria provided, single submitter. Criteria: Invitae Variant Classification Sherloc (09022015). Collection method: clinical testing. Allele origin: germline.
Comment: This sequence change replaces arginine, which is basic and polar, with tryptophan, which is neutral and slightly polar, at codon 668 of the TELO2 protein (p.Arg668Trp). This variant is present in population databases (rs143422330, gnomAD 0.01%). This variant has not been reported in the literature in individuals affected with TELO2-related conditions. ClinVar contains an entry for this variant (Variation ID: 2442038). Invitae Evidence Modeling of protein sequence and biophysical properties (such as structural, functional, and spatial information, amino acid conservation, physicochemical variation, residue mobility, and thermodynamic stability) indicates that this missense variant is expected to disrupt TELO2 protein function with a positive predictive value of 95%. In summary, the available evidence is currently insufficient to determine the role of this variant in disease. Therefore, it has been classified as a Variant of Uncertain Significance.

Baylor Genetics
Classification: Uncertain significance for TELO2-related intellectual disability-neurodevelopmental disorder. Last evaluated: 2021-08-16. Review status: criteria provided, single submitter. Criteria: ACMG Guidelines, 2015. Collection method: clinical testing. Allele origin: unknown.